The following is an entry in ClinVar:

NM_001256007.3(PNPLA8):c.797T>G (p.Val266Gly)

Gene: PNPLA8 (patatin like domain 8, phospholipase A2; minus strand). Cytogenetic location: 7q31.1.
Variant type: single nucleotide variant.
Coding change: c.797T>G on transcript NM_001256007.3 (MANE Select); coding-DNA position 797, T replaced by G.
Protein change: p.Val266Gly; replaces valine 266 with glycine.
Molecular consequence: missense variant.
Genome position (GRCh38, 1-based): chr7:108,514,695, A>C on the plus strand (T>G on the coding strand, the complement: PNPLA8 is on the minus strand). VCF-style: chr7-108514695-A-C. GRCh37 (hg19) VCF-style: chr7-108155139-A-C.
Other names: c.797T>G, p.Val266Gly (NM_001256008.3, NM_001256009.3, NM_015723.5); c.497T>G, p.Val166Gly (NM_001256010.3, NM_001256011.3); short protein forms V166G, V266G.
Identifiers: ClinVar variation 1942263 (VCV001942263.5), dbSNP rs777742170, ClinGen allele CA4439758.

ClinVar aggregate classification (germline): Uncertain significance (1 of 4 stars; one submission).

Allele frequency attached by ClinVar (database versions not stated): ExAC 0.00001; gnomAD exomes 0.00001.
gnomAD v4.1: 10 of 1,614,068 alleles (0.00062%); highest among the groups gnomAD compares: Middle Eastern, 0.066%; no homozygotes.

Submission:

Labcorp Genetics (formerly Invitae), Labcorp
Classification: Uncertain significance. Last evaluated: 2022-06-20. Review status: criteria provided, single submitter. Criteria: Invitae Variant Classification Sherloc (09022015). Collection method: clinical testing. Allele origin: germline.
Comment: In summary, the available evidence is currently insufficient to determine the role of this variant in disease. Therefore, it has been classified as a Variant of Uncertain Significance. Algorithms developed to predict the effect of missense changes on protein structure and function output the following: SIFT: "Tolerated"; PolyPhen-2: "Benign"; Align-GVGD: "Class C0". The glycine amino acid residue is found in multiple mammalian species, which suggests that this missense change does not adversely affect protein function. This variant has not been reported in the literature in individuals affected with PNPLA8-related conditions. This variant is present in population databases (rs777742170, gnomAD 0.0009%). This sequence change replaces valine, which is neutral and non-polar, with glycine, which is neutral and non-polar, at codon 266 of the PNPLA8 protein (p.Val266Gly).